The following is an entry in ClinVar:

NM_001728.4(BSG):c.435C>T (p.Thr145=)

Gene: BSG (basigin (Ok blood group); plus strand). Cytogenetic location: 19p13.3.
Variant type: single nucleotide variant.
Coding change: c.435C>T on transcript NM_001728.4 (MANE Select); coding-DNA position 435, C replaced by T.
Protein change: p.Thr145=; no amino-acid change (threonine 145 retained).
Molecular consequence: synonymous variant. On other transcripts: 5 prime UTR variant (1), intron variant (1).
Genome position (GRCh38, 1-based): chr19:579,519, C>T. VCF-style: chr19-579519-C-T. GRCh37 (hg19) VCF-style: chr19-579519-C-T.
Other names: c.87C>T, p.Thr29= (NM_001322243.2, NM_198589.3); c.-193C>T (NM_198590.3); c.-55-860C>T (NM_198591.4).
Identifiers: ClinVar variation 713537 (VCV000713537.4), dbSNP rs55713331, ClinGen allele CA9017771.

ClinVar aggregate classification (germline): Benign. Review status: criteria provided, multiple submitters, no conflicts (2 of 4 stars). 2 submissions from 2 submitters: Benign (2). Last evaluated 2024-12-12.

Conditions:
BSG-related disorder. Also called: BSG-related condition.

Allele frequency attached by ClinVar (database versions not stated): ESP Exome Variant Server 0.00008; gnomAD 0.00025; TOPMed 0.00029; 1000 Genomes Project 0.00699; 1000 Genomes Project 30x 0.00718.
gnomAD v4.1: 2,749 of 1,612,672 alleles (0.17%); highest among the groups gnomAD compares: South Asian, 2.8%; 67 homozygotes.

Submissions (2):

PreventionGenetics, part of Exact Sciences
Classification: Benign for BSG-related condition. Last evaluated: 2024-12-12. Review status: criteria provided, single submitter. Criteria: ACMG Guidelines, 2015. Collection method: clinical testing. Allele origin: germline.
Comment: This variant is classified as benign based on ACMG/AMP sequence variant interpretation guidelines (Richards et al. 2015 PMID: 25741868, with internal and published modifications).

Labcorp Genetics (formerly Invitae), Labcorp
Classification: Benign. Last evaluated: 2018-12-18. Review status: criteria provided, single submitter. Criteria: Invitae Variant Classification Sherloc (09022015). Collection method: clinical testing. Allele origin: germline.